The following is an entry in ClinVar:

NM_001089.3(ABCA3):c.2838CTC[1] (p.Ser948del)

Gene: ABCA3 (ATP binding cassette subfamily A member 3; minus strand). Cytogenetic location: 16p13.3.
Variant type: Microsatellite.
Coding change: c.2838CTC[1] on transcript NM_001089.3 (MANE Select); one copy of the 3-base unit CTC starting at c.2838; the reference has two copies in a row; one copy, 3 bases deleted.
Protein change: p.Ser948del; deletes serine 948.
Molecular consequence: inframe deletion.
Genome position (GRCh38, 1-based): chr16:2,288,187-2,288,189, GAG deleted on the plus strand (CTC on the coding strand, the reverse complement: ABCA3 is on the minus strand); deleting any 3 consecutive bases within chr16:2,288,187-2,288,192 gives the same sequence; the position shown is the placement nearest the transcript's 3' end. VCF-style (leftmost placement, unchanged base first): chr16-2288186-CGAG-C. GRCh37 (hg19) VCF-style: chr16-2338187-CGAG-C.
Other names: short protein forms S948del.
Identifiers: ClinVar variation 5004081 (VCV005004081.1).

ClinVar aggregate classification (germline): Uncertain significance (1 of 4 stars; one submission).

Conditions:
Interstitial lung disease due to ABCA3 deficiency. Also called: PULMONARY ALVEOLAR PROTEINOSIS, CONGENITAL, 3. Identifiers: Orphanet 440402, MedGen C1970456, MONDO:0012582, OMIM 610921.

Submission:

Myriad Genetics, Inc.
Classification: Uncertain significance for Interstitial lung disease due to ABCA3 deficiency. Last evaluated: 2025-07-24. Review status: criteria provided, single submitter. Criteria: Myriad Autosomal Dominant, Autosomal Recessive and X-Linked Classification Criteria (2023). Collection method: clinical testing. Allele origin: unknown.
Comment: NM_001089.2(ABCA3):c.2841_2843delCTC(S948del) is an in-frame deletion classified as a variant of uncertain significance in the context of surfactant deficiency, ABCA3-related. S948del has not been observed in cases with relevant disease. Relevant functional assessments of this variant are not available in the literature. S948del has not been observed in referenced population frequency databases. In summary, there is insufficient evidence to classify NM_001089.2(ABCA3):c.2841_2843delCTC(S948del) as pathogenic or benign. Please note: this variant was assessed in the context of healthy population screening.